The following is an entry in ClinVar:

ClinVar aggregate classification (germline): Uncertain significance (1 of 4 stars; one submission).

Conditions:
Autosomal recessive limb-girdle muscular dystrophy type 2T. Also called: Limb-girdle muscular dystrophy-dystroglycanopathy, type C14; MUSCULAR DYSTROPHY-DYSTROGLYCANOPATHY, LIMB-GIRDLE, GMPPB-RELATED; MUSCULAR DYSTROPHY, LIMB-GIRDLE, TYPE 2T; Muscular dystrophy-dystroglycanopathy (limb-girdle), type c, 14. Identifiers: Orphanet 363623, MedGen C4518000, MONDO:0014142, OMIM 615352.

Submission:

Baylor Genetics
Classification: Uncertain significance for Autosomal recessive limb-girdle muscular dystrophy type 2T. Last evaluated: 2019-12-23. Review status: criteria provided, single submitter. Criteria: ACMG Guidelines, 2015. Collection method: clinical testing. Allele origin: unknown. Affected: yes.
Comment: This variant was determined to be of uncertain significance according to ACMG Guidelines, 2015 [PMID:25741868].

NM_021971.4(GMPPB):c.38G>T (p.Arg13Leu)

Gene: GMPPB (GDP-mannose pyrophosphorylase B; minus strand). Cytogenetic location: 3p21.31.
Variant type: single nucleotide variant.
Coding change: c.38G>T on transcript NM_021971.4 (MANE Select); coding-DNA position 38, G replaced by T.
Protein change: p.Arg13Leu; replaces arginine 13 with leucine.
Molecular consequence: missense variant.
Genome position (GRCh38, 1-based): chr3:49,723,689, C>A on the plus strand (G>T on the coding strand, the complement: GMPPB is on the minus strand). VCF-style: chr3-49723689-C-A. GRCh37 (hg19) VCF-style: chr3-49761122-C-A.
Other names: c.38G>T, p.Arg13Leu (NM_013334.4); short protein forms R13L.
Identifiers: ClinVar variation 1029226 (VCV001029226.1), dbSNP rs1183380163, ClinGen allele CA352831879.